The following is an entry in ClinVar:

NM_000179.3(MSH6):c.1586_1587insGATACAGTGTGCTGGAAGG (p.Asp530fs)

Gene: MSH6 (mutS homolog 6; plus strand). Cytogenetic location: 2p16.3.
Variant type: Insertion.
Coding change: c.1586_1587insGATACAGTGTGCTGGAAGG on transcript NM_000179.3 (MANE Select); coding-DNA positions 1586 to 1587, GATACAGTGTGCTGGAAGG inserted.
Protein change: p.Asp530fs; shifts the reading frame from aspartic acid 530.
Molecular consequence: frameshift variant.
Genome position: GRCh38 VCF-style: chr2-47799552-T-TTACAGTGTGCTGGAAGGGA. GRCh37 (hg19) VCF-style: chr2-48026691-T-TTACAGTGTGCTGGAAGGGA.
Other names: c.1196_1197insGATACAGTGTGCTGGAAGG, p.Asp400fs (NM_001281492.2); c.680_681insGATACAGTGTGCTGGAAGG, p.Asp228fs (NM_001281493.2, NM_001281494.2); short protein forms D228fs, D400fs, D530fs.
Identifiers: ClinVar variation 1069438 (VCV001069438.7), dbSNP rs2104352270, ClinGen allele CA2499216103.

ClinVar aggregate classification (germline): Pathogenic (1 of 4 stars; one submission).

Conditions:
Hereditary nonpolyposis colorectal neoplasms. Identifiers: MedGen C0009405, MeSH D003123.

Submission:

Labcorp Genetics (formerly Invitae), Labcorp
Classification: Pathogenic for Hereditary nonpolyposis colorectal neoplasms. Last evaluated: 2020-06-15. Review status: criteria provided, single submitter. Criteria: Invitae Variant Classification Sherloc (09022015). Collection method: clinical testing. Allele origin: germline.
Comment: This sequence change creates a premature translational stop signal (p.Asp530Ilefs*7) in the MSH6 gene. It is expected to result in an absent or disrupted protein product. This variant has not been reported in the literature in individuals with MSH6-related conditions. This variant is not present in population databases (ExAC no frequency). Algorithms developed to predict the effect of sequence changes on RNA splicing suggest that this variant may create or strengthen a splice site, but this prediction has not been confirmed by published transcriptional studies. Loss-of-function variants in MSH6 are known to be pathogenic (PMID: 18269114, 24362816). For these reasons, this variant has been classified as Pathogenic.

Literature cited by the submitters: PubMed 18269114; PubMed 24362816.